The following is an entry in ClinVar:

NM_052813.5(CARD9):c.1138G>T (p.Ala380Ser)

Gene: CARD9 (caspase recruitment domain family member 9; minus strand). Cytogenetic location: 9q34.3.
Variant type: single nucleotide variant.
Coding change: c.1138G>T on transcript NM_052813.5 (MANE Select); coding-DNA position 1138, G replaced by T.
Protein change: p.Ala380Ser; replaces alanine 380 with serine.
Molecular consequence: missense variant.
Genome position (GRCh38, 1-based): chr9:136,367,768, C>A on the plus strand (G>T on the coding strand, the complement: CARD9 is on the minus strand). VCF-style: chr9-136367768-C-A. GRCh37 (hg19) VCF-style: chr9-139262220-C-A.
Other names: c.1138G>T, p.Ala380Ser (NM_052814.4); short protein forms A380S.
Identifiers: ClinVar variation 2125467 (VCV002125467.4), dbSNP rs139646302, ClinGen allele CA375542852.
Genomic context (GRCh38, chr9:136,367,768, plus strand): 5'-ACACCTGCAGCTGCAGCTCATCCGCCTTCTCGCCCAGCTCCCGCACCTGCTTGCGCAGCG[C>A]GTCCTTCTCCTGCAGGCCCCGGGCGTGCTGTGCGTGCAGCTCCTCCCGCGTGGCTATGGC-3'
Protein context (NP_434700.2, residues 370-390): QHARGLQEKD[Ala380Ser]LRKQVRELGE

ClinVar aggregate classification (germline): Uncertain significance (1 of 4 stars; one submission).

Conditions:
Predisposition to invasive fungal disease due to CARD9 deficiency (IMD103). Also called: Candidiasis, familial, 2, autosomal recessive; CARD9 IMMUNODEFICIENCY; IMMUNODEFICIENCY 103, SUSCEPTIBILITY TO FUNGAL INFECTIONS. Identifiers: Orphanet 457088, MedGen C1859353, MONDO:0008905, OMIM 212050.

Submission:

Labcorp Genetics (formerly Invitae), Labcorp
Classification: Uncertain significance for Predisposition to invasive fungal disease due to CARD9 deficiency. Last evaluated: 2022-08-19. Review status: criteria provided, single submitter. Criteria: Invitae Variant Classification Sherloc (09022015). Collection method: clinical testing. Allele origin: germline.
Comment: This variant is not present in population databases (gnomAD no frequency). In summary, the available evidence is currently insufficient to determine the role of this variant in disease. Therefore, it has been classified as a Variant of Uncertain Significance. Algorithms developed to predict the effect of missense changes on protein structure and function (SIFT, PolyPhen-2, Align-GVGD) all suggest that this variant is likely to be tolerated. This variant has not been reported in the literature in individuals affected with CARD9-related conditions. This sequence change replaces alanine, which is neutral and non-polar, with serine, which is neutral and polar, at codon 380 of the CARD9 protein (p.Ala380Ser).